The following is an entry in ClinVar:

ClinVar aggregate classification (germline): Uncertain significance (1 of 4 stars; one submission).

Conditions:
Renal cell carcinoma. Identifiers: Orphanet 217071, MedGen C0007134, MeSH D002292, MONDO:0005086, HP:0005584.

Submission:

Labcorp Genetics (formerly Invitae), Labcorp
Classification: Uncertain significance for Renal cell carcinoma. Last evaluated: 2021-09-19. Review status: criteria provided, single submitter. Criteria: Invitae Variant Classification Sherloc (09022015). Collection method: clinical testing. Allele origin: germline.
Comment: This sequence change disrupts the translational stop signal of the MET mRNA. It is expected to extend the length of the MET protein by 22 additional amino acid residues. This variant is not present in population databases (ExAC no frequency). Experimental studies and prediction algorithms are not available or were not evaluated, and the functional significance of this variant is currently unknown. This variant has not been reported in the literature in individuals affected with MET-related conditions. In summary, the available evidence is currently insufficient to determine the role of this variant in disease. Therefore, it has been classified as a Variant of Uncertain Significance.

NM_000245.4(MET):c.4172del (p.Ter1391CysextTer?)

Gene: MET (MET proto-oncogene, receptor tyrosine kinase; plus strand). Cytogenetic location: 7q31.2.
Variant type: Deletion.
Coding change: c.4172del on transcript NM_000245.4 (MANE Select); coding-DNA position 4172, one base deleted (A; older notation c.4172delA).
Protein change: p.Ter1391CysextTer?.
Molecular consequence: frameshift variant, stop lost.
Genome position (GRCh38, 1-based): chr7:116,796,123, A deleted. VCF-style (leftmost placement, unchanged base first): chr7-116796122-TA-T. GRCh37 (hg19) VCF-style: chr7-116436176-TA-T.
Other names: c.4226del, p.Ter1409CysextTer? (NM_001127500.3); c.2882del, p.Ter961CysextTer? (NM_001324402.2).
Identifiers: ClinVar variation 1357411 (VCV001357411.6), dbSNP rs2117114331, ClinGen allele CA2573141526.